The following is an entry in ClinVar:

ClinVar aggregate classification (germline): Uncertain significance (1 of 4 stars; one submission).

Conditions:
Werner syndrome (WRN). Identifiers: Orphanet 902, MedGen C0043119, MONDO:0010196, OMIM 277700.

Submission:

Labcorp Genetics (formerly Invitae), Labcorp
Classification: Uncertain significance for Werner syndrome. Last evaluated: 2022-03-23. Review status: criteria provided, single submitter. Criteria: Invitae Variant Classification Sherloc (09022015). Collection method: clinical testing. Allele origin: germline.
Comment: This variant has not been reported in the literature in individuals affected with WRN-related conditions. In summary, the available evidence is currently insufficient to determine the role of this variant in disease. Therefore, it has been classified as a Variant of Uncertain Significance. Algorithms developed to predict the effect of missense changes on protein structure and function are either unavailable or do not agree on the potential impact of this missense change (SIFT: "Not Available"; PolyPhen-2: "Benign"; Align-GVGD: "Not Available"). This variant is not present in population databases (gnomAD no frequency). This sequence change replaces valine, which is neutral and non-polar, with leucine, which is neutral and non-polar, at codon 1247 of the WRN protein (p.Val1247Leu).

NM_000553.6(WRN):c.3739G>C (p.Val1247Leu)

Gene: WRN (WRN RecQ like helicase; plus strand). Cytogenetic location: 8p12.
Variant type: single nucleotide variant.
Coding change: c.3739G>C on transcript NM_000553.6 (MANE Select); coding-DNA position 3739, G replaced by C.
Protein change: p.Val1247Leu; replaces valine 1247 with leucine.
Molecular consequence: missense variant.
Genome position (GRCh38, 1-based): chr8:31,154,675, G>C. VCF-style: chr8-31154675-G-C. GRCh37 (hg19) VCF-style: chr8-31012191-G-C.
Other names: short protein forms V1247L.
Identifiers: ClinVar variation 2115914 (VCV002115914.4), dbSNP rs2130470169, ClinGen allele CA370929018.